The following is an entry in ClinVar:

ClinVar aggregate classification (germline): Uncertain significance (1 of 4 stars; one submission).

Allele frequency attached by ClinVar (database versions not stated): ExAC 0.00005; gnomAD 0.00005; 1000 Genomes Project 30x 0.00016; 1000 Genomes Project 0.00020.
gnomAD v4.1: 53 of 1,614,220 alleles (0.0033%); highest among the groups gnomAD compares: African/African-American, 0.008%; no homozygotes.

Submission:

Labcorp Genetics (formerly Invitae), Labcorp
Classification: Uncertain significance. Last evaluated: 2024-07-29. Review status: criteria provided, single submitter. Criteria: Invitae Variant Classification Sherloc (09022015). Collection method: clinical testing. Allele origin: germline.
Comment: This sequence change replaces valine, which is neutral and non-polar, with isoleucine, which is neutral and non-polar, at codon 815 of the TMPRSS15 protein (p.Val815Ile). This variant is present in population databases (rs202100185, gnomAD 0.04%). This variant has not been reported in the literature in individuals affected with TMPRSS15-related conditions. ClinVar contains an entry for this variant (Variation ID: 2199799). An algorithm developed to predict the effect of missense changes on protein structure and function outputs the following: PolyPhen-2: "Benign". The isoleucine amino acid residue is found in multiple mammalian species, which suggests that this missense change does not adversely affect protein function. In summary, the available evidence is currently insufficient to determine the role of this variant in disease. Therefore, it has been classified as a Variant of Uncertain Significance.

NM_002772.3(TMPRSS15):c.2443G>A (p.Val815Ile)

Gene: TMPRSS15 (transmembrane serine protease 15; minus strand). Cytogenetic location: 21q21.1.
Variant type: single nucleotide variant.
Coding change: c.2443G>A on transcript NM_002772.3 (MANE Select); coding-DNA position 2443, G replaced by A.
Protein change: p.Val815Ile; replaces valine 815 with isoleucine.
Molecular consequence: missense variant.
Genome position (GRCh38, 1-based): chr21:18,294,313, C>T on the plus strand (G>A on the coding strand, the complement: TMPRSS15 is on the minus strand). VCF-style: chr21-18294313-C-T. GRCh37 (hg19) VCF-style: chr21-19666630-C-T.
Other names: short protein forms V815I.
Identifiers: ClinVar variation 2199799 (VCV002199799.3), dbSNP rs202100185, ClinGen allele CA9984053.